The following is an entry in ClinVar:

NM_001042492.3(NF1):c.1896dup (p.Asp633Ter)

Gene: NF1 (neurofibromin 1; plus strand). Cytogenetic location: 17q11.2.
Variant type: Duplication.
Coding change: c.1896dup on transcript NM_001042492.3 (MANE Select); coding-DNA position 1896, one base duplicated (T; older notation c.1896dupT).
Protein change: p.Asp633Ter; replaces aspartic acid 633 with a stop codon.
Molecular consequence: nonsense. On other transcripts: frameshift variant (1).
Genome position (GRCh38, 1-based): chr17:31,225,145, T duplicated. VCF-style (leftmost placement, unchanged base first): chr17-31225144-G-GT. GRCh37 (hg19) VCF-style: chr17-29552162-G-GT.
Other names: c.1896dup, p.Asp633Terfs (NM_000267.4); short protein forms D633*.
Identifiers: ClinVar variation 851537 (VCV000851537.5), dbSNP rs2066990975, ClinGen allele CA916080580.

ClinVar aggregate classification (germline): Pathogenic (1 of 4 stars; one submission).

Conditions:
Neurofibromatosis, type 1 (NF1). Also called: Neurofibromatosis, type I; VON RECKLINGHAUSEN DISEASE; Peripheral type neurofibromatosis; NEUROFIBROMATOSIS, TYPE I, SOMATIC. Identifiers: Orphanet 636, MedGen C0027831, MONDO:0018975, OMIM 162200. Disease mechanism: loss of function.

Submission:

Labcorp Genetics (formerly Invitae), Labcorp
Classification: Pathogenic for Neurofibromatosis, type 1. Last evaluated: 2019-01-01. Review status: criteria provided, single submitter. Criteria: Invitae Variant Classification Sherloc (09022015). Collection method: clinical testing. Allele origin: germline.
Comment: This sequence change creates a premature translational stop signal (p.Asp633*) in the NF1 gene. It is expected to result in an absent or disrupted protein product. For these reasons, this variant has been classified as Pathogenic. Loss-of-function variants in NF1 are known to be pathogenic (PMID: 10712197, 23913538). This variant has not been reported in the literature in individuals with NF1-related conditions. This variant is not present in population databases (ExAC no frequency).

Literature cited by the submitters: PubMed 10712197; PubMed 23913538.